The following is an entry in ClinVar:

NM_002764.4(PRPS1):c.514G>A (p.Ala172Thr)

Gene: PRPS1 (phosphoribosyl pyrophosphate synthetase 1; plus strand). Cytogenetic location: Xq22.3.
Variant type: single nucleotide variant.
Coding change: c.514G>A on transcript NM_002764.4 (MANE Select); coding-DNA position 514, G replaced by A.
Protein change: p.Ala172Thr; replaces alanine 172 with threonine.
Molecular consequence: missense variant. On other transcripts: intron variant (1).
Genome position (GRCh38, 1-based): chrX:107,642,474, G>A. VCF-style: chrX-107642474-G-A. GRCh37 (hg19) VCF-style: chrX-106885704-G-A.
Other names: c.-82-2703G>A (NM_001204402.2); short protein forms A172T.
Identifiers: ClinVar variation 2007673 (VCV002007673.4), dbSNP rs2521342171, ClinGen allele CA413810612.

ClinVar aggregate classification (germline): Uncertain significance (1 of 4 stars; one submission).

Conditions:
Charcot-Marie-Tooth Neuropathy X. Identifiers: MedGen CN118851.

Submission:

Labcorp Genetics (formerly Invitae), Labcorp
Classification: Uncertain significance for Charcot-Marie-Tooth Neuropathy X. Last evaluated: 2024-12-02. Review status: criteria provided, single submitter. Criteria: Invitae Variant Classification Sherloc (09022015). Collection method: clinical testing. Allele origin: germline.
Comment: This sequence change replaces alanine, which is neutral and non-polar, with threonine, which is neutral and polar, at codon 172 of the PRPS1 protein (p.Ala172Thr). This variant is not present in population databases (gnomAD no frequency). This variant has not been reported in the literature in individuals affected with PRPS1-related conditions. ClinVar contains an entry for this variant (Variation ID: 2007673). Invitae Evidence Modeling of protein sequence and biophysical properties (such as structural, functional, and spatial information, amino acid conservation, physicochemical variation, residue mobility, and thermodynamic stability) indicates that this missense variant is not expected to disrupt PRPS1 protein function with a negative predictive value of 80%. In summary, the available evidence is currently insufficient to determine the role of this variant in disease. Therefore, it has been classified as a Variant of Uncertain Significance.